The following is an entry in ClinVar:

NM_012243.3(SLC35A3):c.74G>T (p.Arg25Leu)

Gene: SLC35A3 (solute carrier family 35 member A3; plus strand). Cytogenetic location: 1p21.2.
Variant type: single nucleotide variant.
Coding change: c.74G>T on transcript NM_012243.3 (MANE Select); coding-DNA position 74, G replaced by T.
Protein change: p.Arg25Leu; replaces arginine 25 with leucine.
Molecular consequence: missense variant.
Genome position (GRCh38, 1-based): chr1:99,993,628, G>T. VCF-style: chr1-99993628-G-T. GRCh37 (hg19) VCF-style: chr1-100459184-G-T.
Other names: R25L; c.74G>T, p.Arg25Leu (NM_001271684.2); c.200G>T, p.Arg67Leu (NM_001271685.2); short protein forms R67L.
Identifiers: ClinVar variation 1686982 (VCV001686982.3), dbSNP rs903783945, ClinGen allele CA341323764.

ClinVar aggregate classification (germline): Uncertain significance. Review status: criteria provided, single submitter (1 of 4 stars). 2 submissions from 2 submitters: Uncertain significance (1). 1 of the submissions does not count toward it. Last evaluated 2025-04-21.

Conditions:
Autism spectrum disorder - epilepsy - arthrogryposis syndrome (AMRS). Identifiers: Orphanet 370943, MedGen C3809910, MONDO:0014248, OMIM 615553.

gnomAD v4.1: 4 of 1,613,878 alleles (0.00025%); highest among the groups gnomAD compares: South Asian, 0.0044%; no homozygotes.

Submissions (2):

Women's Health and Genetics/Laboratory Corporation of America, LabCorp
Classification: Uncertain significance. Last evaluated: 2025-04-21. Review status: criteria provided, single submitter. Criteria: LabCorp Variant Classification Summary - May 2015. Collection method: clinical testing. Allele origin: germline.
Comment: Variant summary: SLC35A3 c.74G>T (p.Arg25Leu) results in a non-conservative amino acid change in the encoded protein sequence. Four of five in-silico tools predict a damaging effect of the variant on protein function. The variant allele was found at a frequency of 4e-06 in 251260 control chromosomes. c.74G>T has been observed in a homozygous individual affected with clinical features of Arthrogryposis, Mental Retardation, And Seizures (Edmondson_2017). These data indicate that the variant may be associated with disease. To our knowledge, no experimental evidence demonstrating an impact on protein function has been reported. The following publication have been ascertained in the context of this evaluation (PMID: 28777481). ClinVar contains an entry for this variant (Variation ID: 1686982). Based on the evidence outlined above, the variant was classified as VUS-possibly pathogenic.

OMIM
Classification: Pathogenic for ARTHROGRYPOSIS, IMPAIRED INTELLECTUAL DEVELOPMENT, AND SEIZURES. Last evaluated: 2022-05-16. Review status: no assertion criteria provided. Collection method: literature only. Allele origin: germline. Not counted in ClinVar's aggregate classification.

Literature cited by the submitters: PubMed 28777481 (cited by Women's Health and Genetics/Laboratory Corporation of America, LabCorp and OMIM).